The following is an entry in ClinVar:

NM_001367549.1(ATP13A3):c.1057A>G (p.Thr353Ala)

Gene: ATP13A3 (ATPase 13A3; minus strand). Cytogenetic location: 3q29.
Variant type: single nucleotide variant.
Coding change: c.1057A>G on transcript NM_001367549.1 (MANE Select); coding-DNA position 1057, A replaced by G.
Protein change: p.Thr353Ala; replaces threonine 353 with alanine.
Molecular consequence: missense variant. On other transcripts: non-coding transcript variant (2).
Genome position (GRCh38, 1-based): chr3:194,448,550, T>C on the plus strand (A>G on the coding strand, the complement: ATP13A3 is on the minus strand). VCF-style: chr3-194448550-T-C. GRCh37 (hg19) VCF-style: chr3-194169279-T-C.
Other names: c.1057A>G (NM_024524.3); c.976A>G, p.Thr326Ala (NM_001374836.1); c.1057A>G, p.Thr353Ala (NM_024524.4); short protein forms T326A, T353A.
Identifiers: ClinVar variation 3615288 (VCV003615288.3).

ClinVar aggregate classification (germline): Uncertain significance. Review status: criteria provided, multiple submitters, no conflicts (2 of 4 stars). 2 submissions from 2 submitters: Uncertain significance (2). Last evaluated 2025-07-03.

gnomAD v4.1: 2 of 1,614,044 alleles (0.00012%); highest among the groups gnomAD compares: Non-Finnish European, 0.000085%; no homozygotes.

Submissions (2):

Ambry Genetics
Classification: Uncertain significance. Last evaluated: 2025-07-03. Review status: criteria provided, single submitter. Criteria: Ambry Variant Classification Scheme 2023. Collection method: clinical testing. Allele origin: germline.

Labcorp Genetics (formerly Invitae), Labcorp
Classification: Uncertain significance. Last evaluated: 2025-02-02. Review status: criteria provided, single submitter. Criteria: Invitae Variant Classification Sherloc (09022015). Collection method: clinical testing. Allele origin: germline.
Comment: This sequence change replaces threonine, which is neutral and polar, with alanine, which is neutral and non-polar, at codon 353 of the ATP13A3 protein (p.Thr353Ala). This variant is not present in population databases (gnomAD no frequency). This variant has not been reported in the literature in individuals affected with ATP13A3-related conditions. Invitae Evidence Modeling of protein sequence and biophysical properties (such as structural, functional, and spatial information, amino acid conservation, physicochemical variation, residue mobility, and thermodynamic stability) indicates that this missense variant is not expected to disrupt ATP13A3 protein function with a negative predictive value of 80%. In summary, the available evidence is currently insufficient to determine the role of this variant in disease. Therefore, it has been classified as a Variant of Uncertain Significance.